The following is an entry in ClinVar:

NM_012452.3(TNFRSF13B):c.635A>C (p.His212Pro)

Gene: TNFRSF13B (TNF receptor superfamily member 13B; minus strand). Cytogenetic location: 17p11.2.
Variant type: single nucleotide variant.
Coding change: c.635A>C on transcript NM_012452.3 (MANE Select); coding-DNA position 635, A replaced by C.
Protein change: p.His212Pro; replaces histidine 212 with proline.
Molecular consequence: missense variant.
Genome position (GRCh38, 1-based): chr17:16,939,794, T>G on the plus strand (A>C on the coding strand, the complement: TNFRSF13B is on the minus strand). VCF-style: chr17-16939794-T-G. GRCh37 (hg19) VCF-style: chr17-16843108-T-G.
Other names: short protein forms H212P.
Identifiers: ClinVar variation 2075215 (VCV002075215.5), dbSNP rs1269725054, ClinGen allele CA398519335.
Genomic context (GRCh38, chr17:16,939,794, plus strand): 5'-AAGCTGCAGGTCTCCACTGGCTCGGGGGATGTGCTCACAGGGCTGCCGGCTTCCATCGCG[T>G]GATCTGCAGAGGCGAGAGTGGAGGGCGTGGGCCAGGCCTGGCCCTGCACTAGGGTAGGGG-3'
Protein context (NP_036584.1, residues 202-222): RQSPAKSSQD[His212Pro]AMEAGSPVST

ClinVar aggregate classification (germline): Uncertain significance. Review status: criteria provided, multiple submitters, no conflicts (2 of 4 stars). 2 submissions from 2 submitters: Uncertain significance (2). Last evaluated 2024-08-14.

Conditions:
Inborn genetic diseases. Identifiers: MedGen C0950123, MeSH D030342.
Immunodeficiency, common variable, 2 (CVID2). Also called: ANTIBODY DEFICIENCY DUE TO TACI DEFECT; HYPOGAMMAGLOBULINEMIA DUE TO TACI DEFICIENCY. Identifiers: Orphanet 1572, MedGen C3150354, MONDO:0009413, OMIM 240500.

Allele frequency attached by ClinVar (database versions not stated): TOPMed 0.00001.

Submissions (2):

Labcorp Genetics (formerly Invitae), Labcorp
Classification: Uncertain significance for Immunodeficiency, common variable, 2. Last evaluated: 2024-08-14. Review status: criteria provided, single submitter. Criteria: Invitae Variant Classification Sherloc (09022015). Collection method: clinical testing. Allele origin: germline.
Comment: This sequence change replaces histidine, which is basic and polar, with proline, which is neutral and non-polar, at codon 212 of the TNFRSF13B protein (p.His212Pro). This variant is not present in population databases (gnomAD no frequency). This variant has not been reported in the literature in individuals affected with TNFRSF13B-related conditions. ClinVar contains an entry for this variant (Variation ID: 2075215). Invitae Evidence Modeling of protein sequence and biophysical properties (such as structural, functional, and spatial information, amino acid conservation, physicochemical variation, residue mobility, and thermodynamic stability) indicates that this missense variant is not expected to disrupt TNFRSF13B protein function with a negative predictive value of 80%. In summary, the available evidence is currently insufficient to determine the role of this variant in disease. Therefore, it has been classified as a Variant of Uncertain Significance.

Ambry Genetics
Classification: Uncertain significance for Inborn genetic diseases. Last evaluated: 2023-11-22. Review status: criteria provided, single submitter. Criteria: Ambry Variant Classification Scheme 2023. Collection method: clinical testing. Allele origin: germline.